The following is an entry in ClinVar:

NM_006088.6(TUBB4B):c.1260C>T (p.Ser420=)

Gene: TUBB4B (tubulin beta 4B class IVb; plus strand). Cytogenetic location: 9q34.3.
Variant type: single nucleotide variant.
Coding change: c.1260C>T on transcript NM_006088.6 (MANE Select); coding-DNA position 1260, C replaced by T.
Protein change: p.Ser420=; no amino-acid change (serine 420 retained).
Molecular consequence: synonymous variant.
Genome position (GRCh38, 1-based): chr9:137,243,478, C>T. VCF-style: chr9-137243478-C-T. GRCh37 (hg19) VCF-style: chr9-140137930-C-T.
Other names: c.1260C>T (NM_006088.5).
Identifiers: ClinVar variation 1638619 (VCV001638619.10), dbSNP rs756461022, ClinGen allele CA5365494.

ClinVar aggregate classification (germline): Likely benign. Review status: criteria provided, multiple submitters, no conflicts (2 of 4 stars). 3 submissions from 3 submitters: Likely benign (3). Last evaluated 2026-08-21.

Conditions:
TUBB4B-related disorder. Also called: TUBB4B-related condition.

Allele frequency attached by ClinVar (database versions not stated): ExAC 0.00005; 1000 Genomes Project 30x 0.00016.
gnomAD v4.1: 54 of 1,613,754 alleles (0.0033%); highest among the groups gnomAD compares: African/African-American, 0.032%; no homozygotes.

Submissions (3):

PreventionGenetics, part of Exact Sciences
Classification: Likely benign for TUBB4B-related condition. Last evaluated: 2026-08-21. Review status: criteria provided, single submitter. Criteria: ACMG Guidelines, 2015. Collection method: clinical testing. Allele origin: germline.
Comment: This variant is classified as likely benign based on ACMG/AMP sequence variant interpretation guidelines (Richards et al. 2015 PMID: 25741868, with internal and published modifications).

Labcorp Genetics (formerly Invitae), Labcorp
Classification: Likely benign. Last evaluated: 2025-05-16. Review status: criteria provided, single submitter. Criteria: Invitae Variant Classification Sherloc (09022015). Collection method: clinical testing. Allele origin: germline.

Blueprint Genetics
Classification: Likely benign. Last evaluated: 2022-06-13. Review status: criteria provided, single submitter. Criteria: ACMG Guidelines, 2015. Collection method: clinical testing. Allele origin: germline.